The following is an entry in ClinVar:

ClinVar aggregate classification (germline): Uncertain significance. Review status: criteria provided, multiple submitters, no conflicts (2 of 4 stars). 2 submissions from 2 submitters: Uncertain significance (2). Last evaluated 2025-03-11.

Conditions:
GRN-related frontotemporal lobar degeneration with Tdp43 inclusions (FTD2). Also called: DEMENTIA, HEREDITARY DYSPHASIC DISINHIBITION; FRONTOTEMPORAL LOBAR DEGENERATION WITH UBIQUITIN-POSITIVE INCLUSIONS; FTLD-TDP, GRN-RELATED; FRONTOTEMPORAL DEMENTIA WITH TDP43 INCLUSIONS, GRN-RELATED; GRN Frontotemporal Dementia. Identifiers: Orphanet 100070, Orphanet 282, MedGen C1843792, MONDO:0011842, OMIM 607485. Disease mechanism: loss of function.
Neuronal ceroid lipofuscinosis 11. Also called: GRN-Related Neuronal Ceroid-Lipofuscinosis. Identifiers: Orphanet 314629, Orphanet 79262, MedGen C3539123, MONDO:0013866, OMIM 614706.

gnomAD v4.1: 3 of 1,613,898 alleles (0.00019%); highest among the groups gnomAD compares: Non-Finnish European, 0.00025%; no homozygotes.

Submissions (2):

Labcorp Genetics (formerly Invitae), Labcorp
Classification: Uncertain significance for Neuronal ceroid lipofuscinosis 11; GRN-related frontotemporal lobar degeneration with Tdp43 inclusions. Last evaluated: 2025-03-11. Review status: criteria provided, single submitter. Criteria: Invitae Variant Classification Sherloc (09022015). Collection method: clinical testing. Allele origin: germline.
Comment: This sequence change replaces cysteine, which is neutral and slightly polar, with arginine, which is basic and polar, at codon 260 of the GRN protein (p.Cys260Arg). This variant is not present in population databases (gnomAD no frequency). This variant has not been reported in the literature in individuals affected with GRN-related conditions. Invitae Evidence Modeling of protein sequence and biophysical properties (such as structural, functional, and spatial information, amino acid conservation, physicochemical variation, residue mobility, and thermodynamic stability) indicates that this missense variant is expected to disrupt GRN protein function with a positive predictive value of 80%. In summary, the available evidence is currently insufficient to determine the role of this variant in disease. Therefore, it has been classified as a Variant of Uncertain Significance.

Blueprint Genetics
Classification: Uncertain significance. Last evaluated: 2022-02-25. Review status: criteria provided, single submitter. Criteria: ACMG Guidelines, 2015. Collection method: clinical testing. Allele origin: germline.

NM_002087.4(GRN):c.778T>C (p.Cys260Arg)

Gene: GRN (granulin precursor; plus strand). Cytogenetic location: 17q21.31.
Variant type: single nucleotide variant.
Coding change: c.778T>C on transcript NM_002087.4 (MANE Select); coding-DNA position 778, T replaced by C.
Protein change: p.Cys260Arg; replaces cysteine 260 with arginine.
Molecular consequence: missense variant.
Genome position (GRCh38, 1-based): chr17:44,351,106, T>C. VCF-style: chr17-44351106-T-C. GRCh37 (hg19) VCF-style: chr17-42428474-T-C.
Other names: short protein forms C260R.
Identifiers: ClinVar variation 4793756 (VCV004793756.2).